The following is an entry in ClinVar:

NM_004100.5(EYA4):c.893A>C (p.Asn298Thr)

Gene: EYA4 (EYA transcriptional coactivator and phosphatase 4; plus strand). Cytogenetic location: 6q23.2.
Variant type: single nucleotide variant.
Coding change: c.893A>C on transcript NM_004100.5 (MANE Select); coding-DNA position 893, A replaced by C.
Protein change: p.Asn298Thr; replaces asparagine 298 with threonine.
Molecular consequence: missense variant.
Genome position (GRCh38, 1-based): chr6:133,468,654, A>C. VCF-style: chr6-133468654-A-C. GRCh37 (hg19) VCF-style: chr6-133789792-A-C.
Other names: c.731A>C, p.Asn244Thr (NM_001301012.2, NM_001370459.1); c.893A>C, p.Asn298Thr (NM_001301013.2, NM_172105.4); c.824A>C, p.Asn275Thr (NM_001370458.1, NM_172103.4); short protein forms N298T, N244T, N275T.
Identifiers: ClinVar variation 2041846 (VCV002041846.4), dbSNP rs778089186, ClinGen allele CA4008183.

ClinVar aggregate classification (germline): Uncertain significance (1 of 4 stars; one submission).

Conditions:
Dilated cardiomyopathy 1J (CMD1J). Also called: CARDIOMYOPATHY, DILATED, WITH SENSORINEURAL HEARING LOSS, AUTOSOMAL DOMINANT. Identifiers: Orphanet 217622, MedGen C1854368, MONDO:0011541, OMIM 605362.

Allele frequency attached by ClinVar (database versions not stated): ExAC 0.00002.

Submission:

Labcorp Genetics (formerly Invitae), Labcorp
Classification: Uncertain significance for Dilated cardiomyopathy 1J. Last evaluated: 2022-04-28. Review status: criteria provided, single submitter. Criteria: Invitae Variant Classification Sherloc (09022015). Collection method: clinical testing. Allele origin: germline.
Comment: In summary, the available evidence is currently insufficient to determine the role of this variant in disease. Therefore, it has been classified as a Variant of Uncertain Significance. Algorithms developed to predict the effect of missense changes on protein structure and function (SIFT, PolyPhen-2, Align-GVGD) all suggest that this variant is likely to be tolerated. This variant has not been reported in the literature in individuals affected with EYA4-related conditions. This variant is not present in population databases (gnomAD no frequency). This sequence change replaces asparagine, which is neutral and polar, with threonine, which is neutral and polar, at codon 298 of the EYA4 protein (p.Asn298Thr).